The following is an entry in ClinVar:

ClinVar aggregate classification (germline): Uncertain significance (1 of 4 stars; one submission).

Conditions:
Inborn genetic diseases. Identifiers: MedGen C0950123, MeSH D030342.

gnomAD v4.1: 3 of 1,614,036 alleles (0.00019%); highest among the groups gnomAD compares: Admixed American, 0.0017%; no homozygotes.

Submission:

Ambry Genetics
Classification: Uncertain significance for Inborn genetic diseases. Last evaluated: 2025-02-03. Review status: criteria provided, single submitter. Criteria: Ambry Variant Classification Scheme 2023. Collection method: clinical testing. Allele origin: germline.
Comment: The p.S689P variant (also known as c.2065T>C), located in coding exon 12 of the BMPR2 gene, results from a T to C substitution at nucleotide position 2065. The serine at codon 689 is replaced by proline, an amino acid with similar properties. This amino acid position is conserved. In addition, this alteration is predicted to be deleterious by in silico analysis. Based on the available evidence, the clinical significance of this variant remains unclear.

NM_001204.7(BMPR2):c.2065T>C (p.Ser689Pro)

Gene: BMPR2 (bone morphogenetic protein receptor type 2; plus strand). Cytogenetic location: 2q33.2.
Variant type: single nucleotide variant.
Coding change: c.2065T>C on transcript NM_001204.7 (MANE Select); coding-DNA position 2065, T replaced by C.
Protein change: p.Ser689Pro; replaces serine 689 with proline.
Molecular consequence: missense variant.
Genome position (GRCh38, 1-based): chr2:202,555,730, T>C. VCF-style: chr2-202555730-T-C. GRCh37 (hg19) VCF-style: chr2-203420453-T-C.
Other names: short protein forms S689P.
Identifiers: ClinVar variation 3824875 (VCV003824875.1).